The following is an entry in ClinVar:

NM_000629.3(IFNAR1):c.1165del (p.Thr389fs)

Gene: IFNAR1 (interferon alpha and beta receptor subunit 1; plus strand). Cytogenetic location: 21q22.11.
Variant type: Deletion.
Coding change: c.1165del on transcript NM_000629.3 (MANE Select); coding-DNA position 1165, one base deleted (A; older notation c.1165delA).
Protein change: p.Thr389fs; shifts the reading frame from threonine 389.
Molecular consequence: frameshift variant.
Genome position (GRCh38, 1-based): chr21:33,352,779, A deleted; the last of 7 consecutive A bases (chr21:33,352,773-33,352,779); deleting any one gives the same sequence. VCF-style (leftmost placement, unchanged base first): chr21-33352772-GA-G. GRCh37 (hg19) VCF-style: chr21-34725078-GA-G.
Other names: c.403del, p.Thr135fs (NM_001384500.1); c.1150del, p.Thr384fs (NM_001384501.1); c.703del, p.Thr235fs (NM_001384502.1); c.1165del, p.Thr389fs (NM_001384503.1, NM_001384498.1, NM_001384499.1); c.958del, p.Thr320fs (NM_001384504.1); short protein forms T235fs, T389fs, T135fs, T320fs, T384fs.
Identifiers: ClinVar variation 2712324 (VCV002712324.3), dbSNP rs755139751, ClinGen allele CA10006689.

ClinVar aggregate classification (germline): Pathogenic (1 of 4 stars; one submission).

Submission:

Labcorp Genetics (formerly Invitae), Labcorp
Classification: Pathogenic. Last evaluated: 2025-10-21. Review status: criteria provided, single submitter. Criteria: Invitae Variant Classification Sherloc (09022015). Collection method: clinical testing. Allele origin: germline.
Comment: This sequence change creates a premature translational stop signal (p.Thr389Leufs*8) in the IFNAR1 gene. It is expected to result in an absent or disrupted protein product. Loss-of-function variants in IFNAR1 are known to be pathogenic (PMID: 31270247, 32960813). This variant is present in population databases (rs755139751, gnomAD 0.002%). This variant has not been reported in the literature in individuals affected with IFNAR1-related conditions. ClinVar contains an entry for this variant (Variation ID: 2712324). For these reasons, this variant has been classified as Pathogenic.

Literature cited by the submitters: PubMed 31270247; PubMed 32960813.